The following is an entry in ClinVar:

ClinVar aggregate classification (germline): Uncertain significance (1 of 4 stars; one submission).

Submission:

Ambry Genetics
Classification: Uncertain significance. Last evaluated: 2025-05-05. Review status: criteria provided, single submitter. Criteria: Ambry Variant Classification Scheme 2023. Collection method: clinical testing. Allele origin: germline.
Comment: The p.E593G variant (also known as c.1778A>G), located in coding exon 7 of the WNK2 gene, results from an A to G substitution at nucleotide position 1778. The glutamic acid at codon 593 is replaced by glycine, an amino acid with similar properties. This amino acid position is conserved. In addition, the in silico prediction for this alteration is inconclusive. Based on the available evidence, the clinical significance of this variant remains unclear.

NM_006648.4(WNK2):c.1778A>G (p.Glu593Gly)

Gene: WNK2 (WNK lysine deficient protein kinase 2; plus strand). Cytogenetic location: 9q22.31.
Variant type: single nucleotide variant.
Coding change: c.1778A>G on transcript NM_006648.4 (MANE Select); coding-DNA position 1778, A replaced by G.
Protein change: p.Glu593Gly; replaces glutamic acid 593 with glycine.
Molecular consequence: missense variant.
Genome position (GRCh38, 1-based): chr9:93,247,778, A>G. VCF-style: chr9-93247778-A-G. GRCh37 (hg19) VCF-style: chr9-96010060-A-G.
Other names: c.1778A>G, p.Glu593Gly (NM_001282394.3); short protein forms E593G.
Identifiers: ClinVar variation 3981991 (VCV003981991.1).